The following is an entry in ClinVar:

ClinVar aggregate classification (germline): Uncertain significance (1 of 4 stars; one submission).

Conditions:
Nephronophthisis. Also called: Juvenile Nephronophthisis. Identifiers: Orphanet 655, MedGen C0687120, MONDO:0019005, HP:0000090.

Submission:

Labcorp Genetics (formerly Invitae), Labcorp
Classification: Uncertain significance for Nephronophthisis. Last evaluated: 2024-01-02. Review status: criteria provided, single submitter. Criteria: Invitae Variant Classification Sherloc (09022015). Collection method: clinical testing. Allele origin: germline.
Comment: This variant results in a copy number gain of the genomic region encompassing exon(s) 1-2 of the NPHP4 gene. This region includes the initiator codon of the gene. This copy number gain extends beyond the assayed region for this gene and therefore may encompass additional genes. As the precise location of this event is unknown, it may be in tandem or it may be located elsewhere in the genome. This variant has not been reported in the literature in individuals affected with NPHP4-related conditions. Experimental studies and prediction algorithms are not available or were not evaluated, and the functional significance of this variant is currently unknown. In summary, the available evidence is currently insufficient to determine the role of this variant in disease. Therefore, it has been classified as a Variant of Uncertain Significance.

NC_000001.10:g.(?_6046195)_(6101952_?)dup

Genes: KCNAB2 (potassium voltage-gated channel subfamily A regulatory beta subunit 2; plus strand), NPHP4 (nephrocystin 4; minus strand). Cytogenetic location: 1p36.31.
Variant type: Duplication.
Identifiers: ClinVar variation 1513447 (VCV001513447.4).